The following is an entry in ClinVar:

NM_005159.5(ACTC1):c.809-58TG[24]

Genes: GJD2-DT (GJD2 divergent transcript; plus strand), ACTC1 (actin alpha cardiac muscle 1; minus strand). Cytogenetic location: 15q14.
Variant type: Microsatellite.
Coding change: c.809-58TG[24] on transcript NM_005159.5 (MANE Select); 24 copies in a row of the 2-base unit TG starting at c.809-58; the reference has 23 copies in a row; one copy, 2 bases duplicated.
Molecular consequence: intron variant.
Genome position (GRCh38, 1-based): chr15:34,791,308-34,791,309, CA duplicated on the plus strand (TG on the coding strand, the reverse complement: ACTC1 is on the minus strand); duplicating any 2 consecutive bases within chr15:34,791,308-34,791,353 gives the same sequence; the position shown is the placement nearest the transcript's 3' end. VCF-style (leftmost placement, unchanged base first): chr15-34791307-T-TCA. GRCh37 (hg19) VCF-style: chr15-35083508-T-TCA.
Identifiers: ClinVar variation 315705 (VCV000315705.22), dbSNP rs59431308, ClinGen allele CA10635870.

ClinVar aggregate classification (germline): Benign/Likely benign. Review status: criteria provided, multiple submitters, no conflicts (2 of 4 stars). 8 submissions from 8 submitters: Benign (2); Likely benign (2). 4 of the submissions do not count toward it. Last evaluated 2026-02-04.

Conditions:
Hypertrophic cardiomyopathy 11. Also called: ACTC1-Related Familial Hypertrophic Cardiomyopathy. Identifiers: MedGen C2677506, MONDO:0012799, OMIM 612098.
Atrial septal defect 5 (ASD5). Identifiers: Orphanet 1478, MedGen C2748552, MONDO:0013011, OMIM 612794.
Dilated cardiomyopathy 1R (CMD1R). Identifiers: Orphanet 154, Orphanet 54260, MedGen C3150681, MONDO:0013261, OMIM 613424.

Submissions (8):

Labcorp Genetics (formerly Invitae), Labcorp
Classification: Likely benign for Dilated cardiomyopathy 1R; Hypertrophic cardiomyopathy 11; Atrial septal defect 5. Last evaluated: 2026-02-04. Review status: criteria provided, single submitter. Criteria: Invitae Variant Classification Sherloc (09022015). Collection method: clinical testing. Allele origin: germline.

Blueprint Genetics
Classification: Likely benign. Last evaluated: 2024-11-27. Review status: criteria provided, single submitter. Criteria: ACMG Guidelines, 2015. Collection method: clinical testing. Allele origin: germline.

Women's Health and Genetics/Laboratory Corporation of America, LabCorp
Classification: Benign. Last evaluated: 2019-11-05. Review status: criteria provided, single submitter. Criteria: LabCorp Variant Classification Summary - May 2015. Collection method: clinical testing. Allele origin: germline.
Comment: Variant summary: ACTC1 c.809-14_809-13dupTG alters a non-conserved nucleotide located close to a canonical splice site and therefore could affect mRNA splicing, leading to a significantly altered protein sequence. 4/4 computational tools predict no significant impact on normal splicing. However, these predictions have yet to be confirmed by functional studies. The variant allele was found at a frequency of 0.13 in 24922 control chromosomes in the gnomAD database, including 285 homozygotes. The observed variant frequency is well above the estimated maximal expected allele frequency for a pathogenic variant in ACTC1 causing Cardiomyopathy phenotype (2.5e-05), strongly suggesting that the variant is benign. To our knowledge, no occurrence of c.809-14_809-13dupTG in individuals affected with Cardiomyopathy and no experimental evidence demonstrating an impact on protein function have been reported. Co-occurrence with another pathogenic variant has been reported (TTR c.424G>A, p.Val142Ile; internal sample), providing supporting evidence for a benign role. One ClinVar submitter (evaluation after 2014) cited the variant as uncertain significance. Based on the evidence outlined above, the variant was classified as benign.

GeneDx
Classification: Benign. Last evaluated: 2019-08-06. Review status: criteria provided, single submitter. Criteria: GeneDx Variant Classification Process June 2021. Collection method: clinical testing. Allele origin: germline. Affected: yes.

Clinical Genetics DNA and cytogenetics Diagnostics Lab, Erasmus MC, Erasmus Medical Center
Classification: Likely benign. Review status: no assertion criteria provided. Collection method: clinical testing. Allele origin: germline. Affected: yes. Study: VKGL Data-share Consensus. Not counted in ClinVar's aggregate classification.

Diagnostic Laboratory, Department of Genetics, University Medical Center Groningen
Classification: Likely benign. Review status: no assertion criteria provided. Collection method: clinical testing. Allele origin: germline. Affected: yes. Study: VKGL Data-share Consensus. Not counted in ClinVar's aggregate classification.

Genome Diagnostics Laboratory, University Medical Center Utrecht
Classification: Benign. Review status: no assertion criteria provided. Collection method: clinical testing. Allele origin: germline. Affected: yes. Study: VKGL Data-share Consensus. Not counted in ClinVar's aggregate classification.

Joint Genome Diagnostic Labs from Nijmegen and Maastricht, Radboudumc and MUMC+
Classification: Benign. Review status: no assertion criteria provided. Collection method: clinical testing. Allele origin: germline. Affected: yes. Study: VKGL Data-share Consensus. Not counted in ClinVar's aggregate classification.